The following is an entry in ClinVar:

ClinVar aggregate classification (germline): Uncertain significance (1 of 4 stars; one submission).

Conditions:
Pitt-Hopkins syndrome (PTHS). Also called: MENTAL RETARDATION, SYNDROMAL, WITH INTERMITTENT HYPERVENTILATION; ENCEPHALOPATHY, SEVERE EPILEPTIC, WITH AUTONOMIC DYSFUNCTION. Identifiers: Orphanet 2896, MedGen C1970431, MONDO:0012589, OMIM 610954.

Submission:

Neuberg Centre For Genomic Medicine, NCGM
Classification: Uncertain significance for Pitt-Hopkins syndrome. Last evaluated: 2023-05-20. Review status: criteria provided, single submitter. Criteria: ACMG Guidelines, 2015. Collection method: clinical testing. Allele origin: germline. Inheritance: Autosomal dominant inheritance. Affected: yes.
Comment: The observed missense variant c.688T>A (p.Ser230Thr) in TCF4 gene has not been reported previously as a pathogenic variant nor as a benign variant, to our knowledge. The p.Ser230Thr variant is absent on gnomAD Exomes database. This variant has not been submitted to the ClinVar database. The reference amino acid at this position on TCF4 is predicted as conserved by GERP++ and PhyloP across 100 vertebrates. Computational evidence (SIFT - tolerated; Polyphen - possibly damaging; MutationTaster - disease causing) predict conflicting effect on protein structure and function for this variant. The amino acid Ser at position 230 is changed to a Thr changing protein sequence and it might alter its composition and physico-chemical properties. For these reasons, this variant has been classified as a Variant of Uncertain Significance (VUS).

NM_001083962.2(TCF4):c.688T>A (p.Ser230Thr)

Gene: TCF4 (transcription factor 4; minus strand). Cytogenetic location: 18q21.2.
Variant type: single nucleotide variant.
Coding change: c.688T>A on transcript NM_001083962.2 (MANE Select); coding-DNA position 688, T replaced by A.
Protein change: p.Ser230Thr; replaces serine 230 with threonine.
Molecular consequence: missense variant.
Genome position (GRCh38, 1-based): chr18:55,275,720, A>T on the plus strand (T>A on the coding strand, the complement: TCF4 is on the minus strand). VCF-style: chr18-55275720-A-T. GRCh37 (hg19) VCF-style: chr18-52942951-A-T.
Other names: c.994T>A, p.Ser332Thr (NM_001243226.3); c.616T>A, p.Ser206Thr (NM_001243227.2, NM_001348217.1, NM_001348218.2 and 9 more transcripts); c.706T>A, p.Ser236Thr (NM_001243228.2); c.682T>A, p.Ser228Thr (NM_001243230.2); c.562T>A, p.Ser188Thr (NM_001243231.2, NM_001348211.2); c.475T>A, p.Ser159Thr (NM_001243232.1, NM_001306208.1); c.298T>A, p.Ser100Thr (NM_001243233.2, NM_001330605.3, NM_001348212.2 and 1 more transcripts); c.208T>A, p.Ser70Thr (NM_001243234.2, NM_001243235.2, NM_001243236.2 and 2 more transcripts); and 4 more; short protein forms S100T, S14T, S159T, S188T, S205T, S206T, S228T, S229T.
Identifiers: ClinVar variation 3362339 (VCV003362339.3).
Genomic context (GRCh38, chr18:55,275,720, plus strand): 5'-GTGGAATATGAGAAGAGTTGCCCAACATTCCTGCATAGCCAGGCTGATTCATCCCACTGG[A>T]GGAGCTCCAAGGGTCACTGCTGTGATGGCCATCTGTAAAGGACAAAGACAACCATGACTT-3'
Protein context (NP_001077431.1, residues 220-240): GHHSSDPWSS[Ser230Thr]SGMNQPGYAG